The following is an entry in ClinVar:

ClinVar aggregate classification (germline): Pathogenic (1 of 4 stars; one submission).

Submission:

Labcorp Genetics (formerly Invitae), Labcorp
Classification: Pathogenic. Last evaluated: 2023-05-14. Review status: criteria provided, single submitter. Criteria: Invitae Variant Classification Sherloc (09022015). Collection method: clinical testing. Allele origin: unknown.
Comment: For these reasons, this variant has been classified as Pathogenic. A similar copy number variant has been observed in individual(s) with autosomal recessive thiamine-responsive megaloblastic anemia (PMID: 33571483). This variant is a gross deletion of the genomic region encompassing exon(s) 2-3 of the SLC19A2 gene. This deletion is out-of-frame, and is expected to create a premature termination codon and result in an absent or disrupted protein product. Loss-of-function variants in SLC19A2 are known to be pathogenic (PMID: 10391221, 10391223, 10874303).

Literature cited by the submitters: PubMed 33571483; PubMed 10391221; PubMed 10391223; PubMed 10874303.

NC_000001.10:g.(?_169439182)_(169447015_?)del

Gene: SLC19A2 (solute carrier family 19 member 2; minus strand). Cytogenetic location: 1q24.2.
Variant type: Deletion.
Identifiers: ClinVar variation 3247981 (VCV003247981.1).